The following is an entry in ClinVar:

NM_001407.3(CELSR3):c.3571A>G (p.Ile1191Val)

Gene: CELSR3 (cadherin EGF LAG seven-pass G-type receptor 3; minus strand). Cytogenetic location: 3p21.31.
Variant type: single nucleotide variant.
Coding change: c.3571A>G on transcript NM_001407.3 (MANE Select); coding-DNA position 3571, A replaced by G.
Protein change: p.Ile1191Val; replaces isoleucine 1191 with valine.
Molecular consequence: missense variant.
Genome position (GRCh38, 1-based): chr3:48,659,064, T>C on the plus strand (A>G on the coding strand, the complement: CELSR3 is on the minus strand). VCF-style: chr3-48659064-T-C. GRCh37 (hg19) VCF-style: chr3-48696497-T-C.
Other names: short protein forms I1191V.
Identifiers: ClinVar variation 2653801 (VCV002653801.24), dbSNP rs751447965, ClinGen allele CA352764980.
Genomic context (GRCh38, chr3:48,659,064, plus strand): 5'-CAAAGGAGTAGAAGAGGTGGTCGGAGACATCGGGGTCATAAGCTGGGATGCGCCCAATAA[T>C]GCCCGACGGGAAGGTGTCTGAACGGTTGGATACATAGTTGTTGAAGAGGATCTGGAAGTT-3'
Protein context (NP_001398.2, residues 1181-1201): SNRSDTFPSG[Ile1191Val]IGRIPAYDPD

ClinVar aggregate classification (germline): Uncertain significance (1 of 4 stars; one submission).

Submission:

CeGaT Center for Human Genetics Tuebingen
Classification: Uncertain significance. Last evaluated: 2022-06-01. Review status: criteria provided, single submitter. Criteria: CeGaT Center For Human Genetics Tuebingen Variant Classification Criteria Version 2. Collection method: clinical testing. Allele origin: germline. Affected: yes. Observed: 1 variant allele.
Comment: CELSR3: PM2, PP2, BP4